The following is an entry in ClinVar:

ClinVar aggregate classification (germline): Likely benign. Review status: criteria provided, multiple submitters, no conflicts (2 of 4 stars). 6 submissions from 6 submitters: Likely benign (6). Last evaluated 2025-12-03.

Conditions:
Ehlers-Danlos syndrome, type 4 (EDSVASC). Also called: Ehlers-Danlos syndrome vascular type; Ehlers Danlos syndrome, ecchymotic type; Ehlers Danlos syndrome, arterial type; Ehlers Danlos syndrome, Sack-Barabas type; Ehlers-Danlos Syndrome Type IV. Identifiers: Orphanet 286, MedGen C0268338, MONDO:0017314, OMIM 130050.
Familial thoracic aortic aneurysm and aortic dissection (TAAD). Also called: Thoracic aortic aneurysms and dissections. Identifiers: Orphanet 91387, MedGen C4707243, MONDO:0019625.

Allele frequency attached by ClinVar (database versions not stated): gnomAD exomes 0.00001; gnomAD 0.00005 and 0.00006; TOPMed 0.00005.
gnomAD v4.1: 27 of 1,612,330 alleles (0.0017%); highest among the groups gnomAD compares: African/African-American, 0.0094%; no homozygotes.

Submissions (6):

Labcorp Genetics (formerly Invitae), Labcorp
Classification: Likely benign for Ehlers-Danlos syndrome, type 4. Last evaluated: 2025-12-03. Review status: criteria provided, single submitter. Criteria: Invitae Variant Classification Sherloc (09022015). Collection method: clinical testing. Allele origin: germline.

Mayo Clinic Laboratories, Mayo Clinic
Classification: Likely benign. Last evaluated: 2025-03-21. Review status: criteria provided, single submitter. Criteria: ACMG Guidelines, 2015. Collection method: clinical testing. Allele origin: germline. Observed: 2 variant alleles.
Comment: BS1, BP4, BP7

All of Us Research Program, National Institutes of Health
Classification: Likely benign for Ehlers-Danlos syndrome, type 4. Last evaluated: 2023-12-14. Review status: criteria provided, single submitter. Criteria: ACMG Guidelines, 2015. Collection method: clinical testing. Allele origin: germline. Inheritance: Autosomal dominant inheritance. Observed: 5 variant alleles, 5 heterozygotes.
Comment: This study involves interpretation of variants in research participants for the purpose of population health screening. Participant phenotype was not available at the time of variant classification. Additional details can be found in publication PMID: 35346344, PMCID: PMC8962531

Ambry Genetics
Classification: Likely benign for Familial thoracic aortic aneurysm and aortic dissection. Last evaluated: 2023-04-17. Review status: criteria provided, single submitter. Criteria: Ambry Variant Classification Scheme 2023. Collection method: clinical testing. Allele origin: germline.

Blueprint Genetics
Classification: Likely benign. Last evaluated: 2021-04-23. Review status: criteria provided, single submitter. Criteria: ACMG Guidelines, 2015. Collection method: clinical testing. Allele origin: germline.

Color Diagnostics, LLC DBA Color Health
Classification: Likely benign for Familial thoracic aortic aneurysm and aortic dissection. Last evaluated: 2019-07-26. Review status: criteria provided, single submitter. Criteria: ACMG Guidelines, 2015. Collection method: clinical testing. Allele origin: germline.

NM_000090.4(COL3A1):c.2688C>T (p.Ser896=)

Gene: COL3A1 (collagen type III alpha 1 chain; plus strand). Cytogenetic location: 2q32.2.
Variant type: single nucleotide variant.
Coding change: c.2688C>T on transcript NM_000090.4 (MANE Select); coding-DNA position 2688, C replaced by T.
Protein change: p.Ser896=; no amino-acid change (serine 896 retained).
Molecular consequence: synonymous variant.
Genome position (GRCh38, 1-based): chr2:189,004,008, C>T. VCF-style: chr2-189004008-C-T. GRCh37 (hg19) VCF-style: chr2-189868734-C-T.
Other names: p.Ser896=.
Identifiers: ClinVar variation 701044 (VCV000701044.17), dbSNP rs112723105, ClinGen allele CA62557291.